The following is an entry in ClinVar:

NM_182493.3(MYLK3):c.1864G>A (p.Glu622Lys)

Gene: MYLK3 (myosin light chain kinase 3; minus strand). Cytogenetic location: 16q11.2.
Variant type: single nucleotide variant.
Coding change: c.1864G>A on transcript NM_182493.3 (MANE Select); coding-DNA position 1864, G replaced by A.
Protein change: p.Glu622Lys; replaces glutamic acid 622 with lysine.
Molecular consequence: missense variant.
Genome position (GRCh38, 1-based): chr16:46,727,286, C>T on the plus strand (G>A on the coding strand, the complement: MYLK3 is on the minus strand). VCF-style: chr16-46727286-C-T. GRCh37 (hg19) VCF-style: chr16-46761198-C-T.
Other names: c.1864G>A (NM_182493.2); c.841G>A, p.Glu281Lys (NM_001308301.1); short protein forms E281K, E622K.
Identifiers: ClinVar variation 1412778 (VCV001412778.7), dbSNP rs770495897, ClinGen allele CA8037830.

ClinVar aggregate classification (germline): Uncertain significance. Review status: criteria provided, multiple submitters, no conflicts (2 of 4 stars). 2 submissions from 2 submitters: Uncertain significance (2). Last evaluated 2025-08-10.

Allele frequency attached by ClinVar (database versions not stated): ExAC 0.00001; gnomAD 0.00001; gnomAD exomes 0.00002 and 0.00003; TOPMed 0.00002.
gnomAD v4.1: 47 of 1,614,062 alleles (0.0029%); highest among the groups gnomAD compares: Non-Finnish European, 0.0037%; no homozygotes.

Submissions (2):

Labcorp Genetics (formerly Invitae), Labcorp
Classification: Uncertain significance. Last evaluated: 2025-08-10. Review status: criteria provided, single submitter. Criteria: Invitae Variant Classification Sherloc (09022015). Collection method: clinical testing. Allele origin: germline.
Comment: This sequence change replaces glutamic acid, which is acidic and polar, with lysine, which is basic and polar, at codon 622 of the MYLK3 protein (p.Glu622Lys). This variant is present in population databases (rs770495897, gnomAD 0.004%). This variant has not been reported in the literature in individuals affected with MYLK3-related conditions. ClinVar contains an entry for this variant (Variation ID: 1412778). An algorithm developed to predict the effect of missense changes on protein structure and function (PolyPhen-2) suggests that this variant is likely to be disruptive. In summary, the available evidence is currently insufficient to determine the role of this variant in disease. Therefore, it has been classified as a Variant of Uncertain Significance.

Ambry Genetics
Classification: Uncertain significance. Last evaluated: 2021-09-17. Review status: criteria provided, single submitter. Criteria: Ambry Variant Classification Scheme 2023. Collection method: clinical testing. Allele origin: germline.